The following is an entry in ClinVar:

ClinVar aggregate classification (germline): Uncertain significance. Review status: criteria provided, multiple submitters, no conflicts (2 of 4 stars). 2 submissions from 2 submitters: Uncertain significance (2). Last evaluated 2025-08-28.

Conditions:
Idiopathic Pulmonary Fibrosis. Also called: Idiopathic fibrosing alveolitis, chronic form; idiopathic fibrosing alveolitis. Identifiers: Orphanet 2032, MedGen C1800706, MeSH D054990, MONDO:0800504.
Dyskeratosis congenita, autosomal dominant 2. Identifiers: MedGen C3151443, MONDO:0013521, OMIM 613989.

Allele frequency attached by ClinVar (database versions not stated): gnomAD exomes below 0.00001; TOPMed 0.00001.
gnomAD v4.1: 2 of 1,585,150 alleles (0.00013%); highest among the groups gnomAD compares: Non-Finnish European, 0.00017%; no homozygotes.

Submissions (2):

Labcorp Genetics (formerly Invitae), Labcorp
Classification: Uncertain significance for Dyskeratosis congenita, autosomal dominant 2; Idiopathic Pulmonary Fibrosis. Last evaluated: 2025-08-28. Review status: criteria provided, single submitter. Criteria: Invitae Variant Classification Sherloc (09022015). Collection method: clinical testing. Allele origin: germline.
Comment: This sequence change replaces arginine, which is basic and polar, with cysteine, which is neutral and slightly polar, at codon 696 of the TERT protein (p.Arg696Cys). This variant is not present in population databases (gnomAD no frequency). This missense change has been observed in individual(s) with clinical features of dyskeratosis congenita (PMID: 30523342, 37926112). ClinVar contains an entry for this variant (Variation ID: 2682879). Invitae Evidence Modeling of protein sequence and biophysical properties (such as structural, functional, and spatial information, amino acid conservation, physicochemical variation, residue mobility, and thermodynamic stability) indicates that this missense variant is expected to disrupt TERT protein function with a positive predictive value of 95%. In summary, the available evidence is currently insufficient to determine the role of this variant in disease. Therefore, it has been classified as a Variant of Uncertain Significance.

Mayo Clinic Laboratories, Mayo Clinic
Classification: Uncertain significance. Last evaluated: 2022-05-12. Review status: criteria provided, single submitter. Criteria: ACMG Guidelines, 2015. Collection method: clinical testing. Allele origin: germline. Observed: 8 variant alleles.
Comment: PP2, PM2_supporting, PM3

Literature cited by the submitters: PubMed 30523342 (cited by Labcorp Genetics (formerly Invitae), Labcorp); PubMed 37926112 (cited by Labcorp Genetics (formerly Invitae), Labcorp).

NM_198253.3(TERT):c.2086C>T (p.Arg696Cys)

Gene: TERT (telomerase reverse transcriptase; minus strand). Cytogenetic location: 5p15.33.
Variant type: single nucleotide variant.
Coding change: c.2086C>T on transcript NM_198253.3 (MANE Select); coding-DNA position 2086, C replaced by T.
Protein change: p.Arg696Cys; replaces arginine 696 with cysteine.
Molecular consequence: missense variant. On other transcripts: non-coding transcript variant (2).
Genome position (GRCh38, 1-based): chr5:1,279,335, G>A on the plus strand (C>T on the coding strand, the complement: TERT is on the minus strand). VCF-style: chr5-1279335-G-A. GRCh37 (hg19) VCF-style: chr5-1279450-G-A.
Other names: p.Arg696Cys; c.2086C>T, p.Arg696Cys (NM_001193376.3, NM_003219.1); short protein forms R696C.
Identifiers: ClinVar variation 2682879 (VCV002682879.3), dbSNP rs973201915, ClinGen allele CA112949468.